The following is an entry in ClinVar:

NM_001126128.2(PROK2):c.147T>C (p.Ser49=)

Gene: PROK2 (prokineticin 2; minus strand). Cytogenetic location: 3p13.
Variant type: single nucleotide variant.
Coding change: c.147T>C on transcript NM_001126128.2 (MANE Select); coding-DNA position 147, T replaced by C.
Protein change: p.Ser49=; no amino-acid change (serine 49 retained).
Molecular consequence: synonymous variant.
Genome position (GRCh38, 1-based): chr3:71,781,542, A>G on the plus strand (T>C on the coding strand, the complement: PROK2 is on the minus strand). VCF-style: chr3-71781542-A-G. GRCh37 (hg19) VCF-style: chr3-71830693-A-G.
Other names: c.147T>C, p.Ser49= (NM_021935.4).
Identifiers: ClinVar variation 5002017 (VCV005002017.1).

ClinVar aggregate classification (germline): Likely benign (1 of 4 stars; one submission).

Conditions:
PROK2-related disorder. Also called: PROK2-related condition.

Submission:

PreventionGenetics, part of Exact Sciences
Classification: Likely benign for PROK2-related condition. Last evaluated: 2025-04-17. Review status: criteria provided, single submitter. Criteria: ACMG Guidelines, 2015. Collection method: clinical testing. Allele origin: germline.
Comment: This variant is classified as likely benign based on ACMG/AMP sequence variant interpretation guidelines (Richards et al. 2015 PMID: 25741868, with internal and published modifications).